The following is an entry in ClinVar:

NM_001042681.2(RERE):c.1192G>A (p.Glu398Lys)

Gene: RERE (arginine-glutamic acid dipeptide repeats; minus strand). Cytogenetic location: 1p36.23.
Variant type: single nucleotide variant.
Coding change: c.1192G>A on transcript NM_001042681.2 (MANE Select); coding-DNA position 1192, G replaced by A.
Protein change: p.Glu398Lys; replaces glutamic acid 398 with lysine.
Molecular consequence: missense variant.
Genome position (GRCh38, 1-based): chr1:8,465,936, C>T on the plus strand (G>A on the coding strand, the complement: RERE is on the minus strand). VCF-style: chr1-8465936-C-T. GRCh37 (hg19) VCF-style: chr1-8525996-C-T.
Other names: c.1192G>A, p.Glu398Lys (NM_012102.4); short protein forms E398K.
Identifiers: ClinVar variation 4975128 (VCV004975128.1).

ClinVar aggregate classification (germline): Uncertain significance (1 of 4 stars; one submission).

gnomAD v4.1: 2 of 1,613,978 alleles (0.00012%); highest among the groups gnomAD compares: Non-Finnish European, 0.00017%; no homozygotes.

Submission:

GeneDx
Classification: Uncertain significance. Last evaluated: 2026-03-13. Review status: criteria provided, single submitter. Criteria: GeneDx Variant Classification Process June 2021. Collection method: clinical testing. Allele origin: germline.
Comment: Not observed at significant frequency in large population cohorts (gnomAD); In silico analysis supports that this missense variant has a deleterious effect on protein structure/function; Has not been previously published as pathogenic or benign to our knowledge